The following is an entry in ClinVar:

ClinVar aggregate classification (germline): Likely benign (1 of 4 stars; one submission).

Submission:

CeGaT Center for Human Genetics Tuebingen
Classification: Likely benign. Last evaluated: 2024-05-01. Review status: criteria provided, single submitter. Criteria: CeGaT Center For Human Genetics Tuebingen Variant Classification Criteria Version 2. Collection method: clinical testing. Allele origin: germline. Affected: yes. Observed: 1 variant allele.
Comment: DPP9: PM2:Supporting, BP4, BP7

NM_139159.5(DPP9):c.1230C>G (p.Leu410=)

Gene: DPP9 (dipeptidyl peptidase 9; minus strand). Cytogenetic location: 19p13.3.
Variant type: single nucleotide variant.
Coding change: c.1230C>G on transcript NM_139159.5 (MANE Select); coding-DNA position 1230, C replaced by G.
Protein change: p.Leu410=; no amino-acid change (leucine 410 retained).
Molecular consequence: synonymous variant. On other transcripts: non-coding transcript variant (9), intron variant (5).
Genome position (GRCh38, 1-based): chr19:4,695,501, G>C on the plus strand (C>G on the coding strand, the complement: DPP9 is on the minus strand). VCF-style: chr19-4695501-G-C. GRCh37 (hg19) VCF-style: chr19-4695513-G-C.
Other names: c.1114-678C>G (NM_001384631.1, NM_001384635.1); c.1176-678C>G (NM_001384638.1, NM_001384637.1, NM_001384636.1); c.1230C>G, p.Leu410= (NM_001365987.2, NM_001384611.1, NM_001384612.1 and 13 more transcripts); c.1197C>G, p.Leu399= (NM_001384619.1); c.1143C>G, p.Leu381= (NM_001384623.1, NM_001384624.1, NM_001384625.1 and 4 more transcripts).
Identifiers: ClinVar variation 3239317 (VCV003239317.19), dbSNP rs1476509154.